The following is an entry in ClinVar:

NM_000117.3(EMD):c.250C>G (p.Leu84Val)

Gene: EMD (emerin; plus strand). Cytogenetic location: Xq28.
Variant type: single nucleotide variant.
Coding change: c.250C>G on transcript NM_000117.3 (MANE Select); coding-DNA position 250, C replaced by G.
Protein change: p.Leu84Val; replaces leucine 84 with valine.
Molecular consequence: missense variant.
Genome position (GRCh38, 1-based): chrX:154,380,004, C>G. VCF-style: chrX-154380004-C-G. GRCh37 (hg19) VCF-style: chrX-153608364-C-G.
Other names: short protein forms L84V.
Identifiers: ClinVar variation 3665668 (VCV003665668.2).

ClinVar aggregate classification (germline): Uncertain significance (1 of 4 stars; one submission).

Conditions:
X-linked Emery-Dreifuss muscular dystrophy. Also called: Muscular dystrophy, tardive Emery-Dreifuss type, with contractures. Identifiers: Orphanet 261, Orphanet 98863, MedGen C0751337, MONDO:0010680.

gnomAD v4.1: 2 of 1,211,721 alleles (0.00017%); highest among the groups gnomAD compares: Non-Finnish European, 0.00022%; no homozygotes.

Submission:

Labcorp Genetics (formerly Invitae), Labcorp
Classification: Uncertain significance for X-linked Emery-Dreifuss muscular dystrophy. Last evaluated: 2024-10-10. Review status: criteria provided, single submitter. Criteria: Invitae Variant Classification Sherloc (09022015). Collection method: clinical testing. Allele origin: germline.
Comment: This sequence change replaces leucine, which is neutral and non-polar, with valine, which is neutral and non-polar, at codon 84 of the EMD protein (p.Leu84Val). This variant is not present in population databases (gnomAD no frequency). This variant has not been reported in the literature in individuals affected with EMD-related conditions. Invitae Evidence Modeling of protein sequence and biophysical properties (such as structural, functional, and spatial information, amino acid conservation, physicochemical variation, residue mobility, and thermodynamic stability) indicates that this missense variant is not expected to disrupt EMD protein function with a negative predictive value of 80%. In summary, the available evidence is currently insufficient to determine the role of this variant in disease. Therefore, it has been classified as a Variant of Uncertain Significance.